The following is an entry in ClinVar:

NM_002439.5(MSH3):c.3149C>G (p.Pro1050Arg)

Gene: MSH3 (mutS homolog 3; plus strand). Cytogenetic location: 5q14.1.
Variant type: single nucleotide variant.
Coding change: c.3149C>G on transcript NM_002439.5 (MANE Select); coding-DNA position 3149, C replaced by G.
Protein change: p.Pro1050Arg; replaces proline 1050 with arginine.
Molecular consequence: missense variant.
Genome position (GRCh38, 1-based): chr5:80,873,134, C>G. VCF-style: chr5-80873134-C-G. GRCh37 (hg19) VCF-style: chr5-80168953-C-G.
Other names: short protein forms P1050R.
Identifiers: ClinVar variation 641696 (VCV000641696.13), dbSNP rs1040531132, ClinGen allele CA121753088.

ClinVar aggregate classification (germline): Uncertain significance. Review status: criteria provided, multiple submitters, no conflicts (2 of 4 stars). 4 submissions from 4 submitters: Uncertain significance (4). Last evaluated 2026-01-18.

Conditions:
Hereditary cancer-predisposing syndrome. Also called: Neoplastic Syndromes, Hereditary; Tumor predisposition; Hereditary neoplastic syndrome; Hereditary Cancer Syndrome. Identifiers: Orphanet 140162, MedGen C0027672, MeSH D009386, MONDO:0015356.

Allele frequency attached by ClinVar (database versions not stated): gnomAD 0.00001; gnomAD exomes 0.00001 and 0.00002; TOPMed 0.00003.
gnomAD v4.1: 12 of 1,613,542 alleles (0.00074%); highest among the groups gnomAD compares: Admixed American, 0.005%; no homozygotes.

Submissions (4):

Labcorp Genetics (formerly Invitae), Labcorp
Classification: Uncertain significance. Last evaluated: 2026-01-18. Review status: criteria provided, single submitter. Criteria: Invitae Variant Classification Sherloc (09022015). Collection method: clinical testing. Allele origin: germline.
Comment: This sequence change replaces proline, which is neutral and non-polar, with arginine, which is basic and polar, at codon 1050 of the MSH3 protein (p.Pro1050Arg). This variant is present in population databases (no rsID available, gnomAD 0.006%). This variant has not been reported in the literature in individuals affected with MSH3-related conditions. ClinVar contains an entry for this variant (Variation ID: 641696). An algorithm developed to predict the effect of missense changes on protein structure and function (PolyPhen-2) suggests that this variant is likely to be tolerated. In summary, the available evidence is currently insufficient to determine the role of this variant in disease. Therefore, it has been classified as a Variant of Uncertain Significance.

GeneDx
Classification: Uncertain significance. Last evaluated: 2024-04-17. Review status: criteria provided, single submitter. Criteria: GeneDx Variant Classification Process June 2021. Collection method: clinical testing. Allele origin: germline. Affected: yes.
Comment: Not observed at significant frequency in large population cohorts (gnomAD); In silico analysis indicates that this missense variant does not alter protein structure/function; Has not been previously published as pathogenic or benign to our knowledge

Ambry Genetics
Classification: Uncertain significance for Hereditary cancer-predisposing syndrome. Last evaluated: 2024-01-17. Review status: criteria provided, single submitter. Criteria: Ambry Variant Classification Scheme 2023. Collection method: clinical testing. Allele origin: germline.
Comment: The p.P1050R variant (also known as c.3149C>G), located in coding exon 23 of the MSH3 gene, results from a C to G substitution at nucleotide position 3149. The proline at codon 1050 is replaced by arginine, an amino acid with dissimilar properties. This amino acid position is highly conserved in available vertebrate species. In addition, the in silico prediction for this alteration is inconclusive. Since supporting evidence is limited at this time, the clinical significance of this alteration remains unclear.

Breakthrough Genomics
Classification: Uncertain significance. Review status: criteria provided, single submitter. Criteria: ACMG Guidelines, 2015. Collection method: not provided. Allele origin: germline. Inheritance: Autosomal recessive inheritance. Affected: yes.